The following is an entry in ClinVar:

ClinVar aggregate classification (germline): Benign (1 of 4 stars; one submission).

Allele frequency attached by ClinVar (database versions not stated): gnomAD 0.70574 and 0.71172; TOPMed 0.71198; 1000 Genomes Project 30x 0.78248; 1000 Genomes Project 0.78714.
gnomAD v4.1: 108,028 of 151,976 alleles (71%); highest among the groups gnomAD compares: South Asian, 85%; 38,698 homozygotes.

Submission:

GeneDx
Classification: Benign. Last evaluated: 2019-10-17. Review status: criteria provided, single submitter. Criteria: GeneDx Variant Classification Process June 2021. Collection method: clinical testing. Allele origin: germline. Affected: yes.
Comment: This variant is associated with the following publications: (PMID: 30337675)

NM_018556.4(SIRPG):c.*3-269A>G

Gene: SIRPG (signal regulatory protein gamma; minus strand). Cytogenetic location: 20p13.
Variant type: single nucleotide variant.
Coding change: c.*3-269A>G on transcript NM_018556.4 (MANE Select); 269 bases into the intron before 3 bases downstream of the stop codon, A replaced by G.
Molecular consequence: intron variant.
Genome position (GRCh38, 1-based): chr20:1,629,905, T>C on the plus strand (A>G on the coding strand, the complement: SIRPG is on the minus strand). VCF-style: chr20-1629905-T-C. GRCh37 (hg19) VCF-style: chr20-1610551-T-C.
Other names: c.*3-269A>G (NM_080816.3, NM_001039508.2).
Identifiers: ClinVar variation 1276615 (VCV001276615.1), dbSNP rs2281808, ClinGen allele CA15980224.
Genomic context (GRCh38, chr20:1,629,905, plus strand): 5'-CACAAACAGCCTTCAGGGCTTCCCATTTGGGTTTCTCAACATTAGTTTACAATGTGGATT[T>C]CTCTGACCCCATGGAGTCCCAGCATTCAAATAATCTACAGATAGCCTGCAAGGGACCACC-3'